The following is an entry in ClinVar:

ClinVar aggregate classification (germline): Likely pathogenic (1 of 4 stars; one submission).

Conditions:
Hereditary cancer-predisposing syndrome. Also called: Neoplastic Syndromes, Hereditary; Tumor predisposition; Hereditary Cancer Syndrome; Hereditary neoplastic syndrome. Identifiers: Orphanet 140162, MedGen C0027672, MeSH D009386, MONDO:0015356.

Submission:

Ambry Genetics
Classification: Likely pathogenic for Hereditary cancer-predisposing syndrome. Last evaluated: 2024-10-25. Review status: criteria provided, single submitter. Criteria: Ambry Variant Classification Scheme 2023. Collection method: clinical testing. Allele origin: germline.
Comment: The c.7649_7650insAlu likely pathogenic variant results from the insertion of an Alu element between nucleotides 7649 and 7650 in coding exon 15 of the BRCA2 gene. Mobile element insertions contribute to pathogenicity by either disrupting the coding sequence or inducing aberrant splicing (Belancio VP et al. Semin. Cancer Biol. 2010 Aug;20:200-10; Deininger P et al. Genome Biol. 2011 Dec;12:236; van der Klift HM Hum Mutat. 2012 Jul;33(7):1051-5). This variant is considered to be rare based on population cohorts in the Genome Aggregation Database (gnomAD). Based on the majority of available evidence to date, this variant is likely to be pathogenic.

Literature cited by the submitters: PubMed 20600922; PubMed 22204421.

NM_000059.3:c.7649_7650insALU

Gene: BRCA2 (BRCA2 DNA repair associated; plus strand).
Variant type: Insertion.
Identifiers: ClinVar variation 1759962 (VCV001759962.4).